The following is an entry in ClinVar:

ClinVar aggregate classification (germline): Uncertain significance (1 of 4 stars; one submission).

Submission:

Labcorp Genetics (formerly Invitae), Labcorp
Classification: Uncertain significance. Last evaluated: 2023-11-27. Review status: criteria provided, single submitter. Criteria: Invitae Variant Classification Sherloc (09022015). Collection method: clinical testing. Allele origin: germline.
Comment: This sequence change replaces serine, which is neutral and polar, with threonine, which is neutral and polar, at codon 1424 of the NUP205 protein (p.Ser1424Thr). This variant is not present in population databases (gnomAD no frequency). This variant has not been reported in the literature in individuals affected with NUP205-related conditions. ClinVar contains an entry for this variant (Variation ID: 2069898). Advanced modeling of protein sequence and biophysical properties (such as structural, functional, and spatial information, amino acid conservation, physicochemical variation, residue mobility, and thermodynamic stability) performed at Invitae indicates that this missense variant is not expected to disrupt NUP205 protein function with a negative predictive value of 80%. In summary, the available evidence is currently insufficient to determine the role of this variant in disease. Therefore, it has been classified as a Variant of Uncertain Significance.

NM_015135.3(NUP205):c.4270T>A (p.Ser1424Thr)

Gene: NUP205 (nucleoporin 205; plus strand). Cytogenetic location: 7q33.
Variant type: single nucleotide variant.
Coding change: c.4270T>A on transcript NM_015135.3 (MANE Select); coding-DNA position 4270, T replaced by A.
Protein change: p.Ser1424Thr; replaces serine 1424 with threonine.
Molecular consequence: missense variant.
Genome position (GRCh38, 1-based): chr7:135,619,828, T>A. VCF-style: chr7-135619828-T-A. GRCh37 (hg19) VCF-style: chr7-135304576-T-A.
Other names: c.3196T>A, p.Ser1066Thr (NM_001329434.2); short protein forms S1424T, S1066T.
Identifiers: ClinVar variation 2069898 (VCV002069898.4), dbSNP rs2486185511, ClinGen allele CA369354972.
Genomic context (GRCh38, chr7:135,619,828, plus strand): 5'-GACATCTTCCTAATCTCCCTAGGTGGTGGATTCCAACGAGTGAGGACTCACTTGTATGGC[T>A]CTCTGCTTTATTACTTACAGATTGCCCAGAGACCTGATGAACCAGACACCTTAGAAGCAG-3'
Protein context (NP_055950.2, residues 1414-1434): FQRVRTHLYG[Ser1424Thr]LLYYLQIAQR